The following is an entry in ClinVar:

NM_003803.4(MYOM1):c.4406A>G (p.Gln1469Arg)

Gene: MYOM1 (myomesin 1; minus strand). Cytogenetic location: 18p11.31.
Variant type: single nucleotide variant.
Coding change: c.4406A>G on transcript NM_003803.4 (MANE Select); coding-DNA position 4406, A replaced by G.
Protein change: p.Gln1469Arg; replaces glutamine 1469 with arginine.
Molecular consequence: missense variant.
Genome position (GRCh38, 1-based): chr18:3,083,867, T>C on the plus strand (A>G on the coding strand, the complement: MYOM1 is on the minus strand). VCF-style: chr18-3083867-T-C. GRCh37 (hg19) VCF-style: chr18-3083865-T-C.
Other names: c.4118A>G, p.Gln1373Arg (NM_019856.2); short protein forms Q1469R, Q1373R.
Identifiers: ClinVar variation 3916546 (VCV003916546.1).

ClinVar aggregate classification (germline): Uncertain significance (1 of 4 stars; one submission).

gnomAD v4.1: 1 of 1,583,298 alleles (0.000063%); highest among the groups gnomAD compares: Non-Finnish European, 0.000086%; no homozygotes.

Submission:

Ambry Genetics
Classification: Uncertain significance. Last evaluated: 2025-04-05. Review status: criteria provided, single submitter. Criteria: Ambry Variant Classification Scheme 2023. Collection method: clinical testing. Allele origin: germline.
Comment: The p.Q1469R variant (also known as c.4406A>G), located in coding exon 32 of the MYOM1 gene, results from an A to G substitution at nucleotide position 4406. The glutamine at codon 1469 is replaced by arginine, an amino acid with highly similar properties. This amino acid position is conserved. In addition, this alteration is predicted to be tolerated by in silico analysis. Based on the available evidence, the clinical significance of this variant remains unclear.